The following is an entry in ClinVar:

NM_014714.4(IFT140):c.2372C>T (p.Ala791Val)

Gene: IFT140 (intraflagellar transport 140; minus strand). Cytogenetic location: 16p13.3.
Variant type: single nucleotide variant.
Coding change: c.2372C>T on transcript NM_014714.4 (MANE Select); coding-DNA position 2372, C replaced by T.
Protein change: p.Ala791Val; replaces alanine 791 with valine.
Molecular consequence: missense variant.
Genome position (GRCh38, 1-based): chr16:1,557,962, G>A on the plus strand (C>T on the coding strand, the complement: IFT140 is on the minus strand). VCF-style: chr16-1557962-G-A. GRCh37 (hg19) VCF-style: chr16-1607963-G-A.
Other names: short protein forms A791V.
Identifiers: ClinVar variation 1436249 (VCV001436249.8), dbSNP rs758544371, ClinGen allele CA394199858.

ClinVar aggregate classification (germline): Uncertain significance (1 of 4 stars; one submission).

Conditions:
Saldino-Mainzer syndrome (SRTD9). Also called: Renal dysplasia, retinal pigmentary dystrophy, cerebellar ataxia and skeletal dysplasia; CONORENAL SYNDROME; SHORT-RIB THORACIC DYSPLASIA 9 WITHOUT POLYDACTYLY; short-rib thoracic dysplasia 9 with or without polydactyly. Identifiers: Orphanet 140969, MedGen C1849437, MONDO:0009964, OMIM 266920.

Submission:

Labcorp Genetics (formerly Invitae), Labcorp
Classification: Uncertain significance for Saldino-Mainzer syndrome. Last evaluated: 2021-02-03. Review status: criteria provided, single submitter. Criteria: Invitae Variant Classification Sherloc (09022015). Collection method: clinical testing. Allele origin: germline.
Comment: This sequence change replaces alanine with valine at codon 791 of the IFT140 protein (p.Ala791Val). The alanine residue is highly conserved and there is a small physicochemical difference between alanine and valine. In summary, the available evidence is currently insufficient to determine the role of this variant in disease. Therefore, it has been classified as a Variant of Uncertain Significance. Algorithms developed to predict the effect of missense changes on protein structure and function are either unavailable or do not agree on the potential impact of this missense change (SIFT: "Deleterious"; PolyPhen-2: "Probably Damaging"; Align-GVGD: "Class C0"). This variant has not been reported in the literature in individuals with IFT140-related conditions. This variant is not present in population databases (ExAC no frequency).